The following is an entry in ClinVar:

ClinVar aggregate classification (germline): Uncertain significance (1 of 4 stars; one submission).

Conditions:
Inborn genetic diseases. Identifiers: MedGen C0950123, MeSH D030342.

Submission:

Ambry Genetics
Classification: Uncertain significance for Inborn genetic diseases. Last evaluated: 2020-10-30. Review status: criteria provided, single submitter. Criteria: Ambry Variant Classification Scheme 2023. Collection method: clinical testing. Allele origin: germline.
Comment: The c.9418A>C (p.I3140L) alteration is located in exon 40 (coding exon 38) of the LYST gene. This alteration results from an A to C substitution at nucleotide position 9418, causing the isoleucine (I) at amino acid position 3140 to be replaced by a leucine (L). Based on data from the Genome Aggregation Database (gnomAD), the LYST c.9418A>C alteration was not observed, with coverage at this position. This amino acid position is highly conserved in available vertebrate species. The in silico prediction for the p.I3140L alteration is inconclusive. Based on insufficient or conflicting evidence, the clinical significance of this alteration remains unclear.

NM_000081.4(LYST):c.9418A>C (p.Ile3140Leu)

Gene: LYST (lysosomal trafficking regulator; minus strand). Cytogenetic location: 1q42.3.
Variant type: single nucleotide variant.
Coding change: c.9418A>C on transcript NM_000081.4 (MANE Select); coding-DNA position 9418, A replaced by C.
Protein change: p.Ile3140Leu; replaces isoleucine 3140 with leucine.
Molecular consequence: missense variant.
Genome position (GRCh38, 1-based): chr1:235,720,803, T>G on the plus strand (A>C on the coding strand, the complement: LYST is on the minus strand). VCF-style: chr1-235720803-T-G. GRCh37 (hg19) VCF-style: chr1-235884103-T-G.
Other names: c.9418A>C, p.Ile3140Leu (NM_001301365.1); short protein forms I3140L.
Identifiers: ClinVar variation 2227723 (VCV002227723.2), dbSNP rs2103161065, ClinGen allele CA344943983.